The following is an entry in ClinVar:

NM_000492.4(CFTR):c.3963+4990G>A

Gene: CFTR (CF transmembrane conductance regulator; plus strand). Cytogenetic location: 7q31.2.
Variant type: single nucleotide variant.
Coding change: c.3963+4990G>A on transcript NM_000492.4 (MANE Select); 4990 bases into the intron after coding-DNA position 3963, G replaced by A.
Molecular consequence: intron variant.
Genome position (GRCh38, 1-based): chr7:117,657,921, G>A. VCF-style: chr7-117657921-G-A. GRCh37 (hg19) VCF-style: chr7-117297975-G-A.
Identifiers: ClinVar variation 4280030 (VCV004280030.1).

ClinVar aggregate classification (germline): Uncertain significance (1 of 4 stars; one submission).

Conditions:
Cystic fibrosis (CF). Also called: MUCOVISCIDOSIS. Identifiers: Orphanet 586, MedGen C0010674, MONDO:0009061, OMIM 219700. Disease mechanism: loss of function.

gnomAD v4.1: 153 of 152,200 alleles (0.1%); highest among the groups gnomAD compares: Non-Finnish European, 0.11%; no homozygotes.

Submission:

Johns Hopkins Genomics, Johns Hopkins University
Classification: Uncertain significance for Cystic fibrosis. Last evaluated: 2024-02-29. Review status: criteria provided, single submitter. Criteria: ACMG Guidelines, 2015. Collection method: clinical testing. Allele origin: germline.
Comment: BP4